The following is an entry in ClinVar:

NM_020812.4(DOCK6):c.4021+2dup

Genes: DOCK6 (dedicator of cytokinesis 6; minus strand), DOCK6-AS1 (DOCK6 antisense RNA 1; plus strand). Cytogenetic location: 19p13.2.
Variant type: Duplication.
Coding change: c.4021+2dup on transcript NM_020812.4 (MANE Select); the canonical splice donor site of the intron after coding-DNA position 4021, one base duplicated (T; older notation c.4021+2dupT).
Molecular consequence: splice donor variant.
Genome position (GRCh38, 1-based): chr19:11,215,799, A duplicated on the plus strand (T on the coding strand, the reverse complement: DOCK6 is on the minus strand). VCF-style (leftmost placement, unchanged base first): chr19-11215798-T-TA. GRCh37 (hg19) VCF-style: chr19-11326474-T-TA.
Other names: c.4126+2dup (NM_001367830.1).
Identifiers: ClinVar variation 1940871 (VCV001940871.3), dbSNP rs2513004469, ClinGen allele CA2580096418.
Genomic context (GRCh38, chr19:11,215,798, plus strand): 5'-CCCCTTGACACAAGGTGGGAGCAGCTGGTGGGATGGGGACACGTGGGTATGTCACCCTCT[T>TA]ACCACGACTTCGCCGAACCATTTCTTGTCGAGCTCCGATGGTACCCAGAATGGCTTCCTC-3'

ClinVar aggregate classification (germline): Uncertain significance (1 of 4 stars; one submission).

Allele frequency attached by ClinVar (database versions not stated): gnomAD exomes below 0.00001.

Submission:

Labcorp Genetics (formerly Invitae), Labcorp
Classification: Uncertain significance. Last evaluated: 2022-06-07. Review status: criteria provided, single submitter. Criteria: Invitae Variant Classification Sherloc (09022015). Collection method: clinical testing. Allele origin: germline.
Comment: In summary, the available evidence is currently insufficient to determine the role of this variant in disease. Therefore, it has been classified as a Variant of Uncertain Significance. Variants that disrupt the consensus splice site are a relatively common cause of aberrant splicing (PMID: 17576681, 9536098). Algorithms developed to predict the effect of sequence changes on RNA splicing suggest that this variant may disrupt the consensus splice site. This variant has not been reported in the literature in individuals affected with DOCK6-related conditions. This variant is not present in population databases (gnomAD no frequency). This sequence change falls in intron 31 of the DOCK6 gene. It does not directly change the encoded amino acid sequence of the DOCK6 protein. It affects a nucleotide within the consensus splice site.

Literature cited by the submitters: PubMed 17576681; PubMed 9536098.